The following is an entry in ClinVar:

ClinVar aggregate classification (germline): Uncertain significance. Review status: criteria provided, multiple submitters, no conflicts (2 of 4 stars). 2 submissions from 2 submitters: Uncertain significance (2). Last evaluated 2025-07-08.

Conditions:
Hereditary cancer-predisposing syndrome. Also called: Hereditary Cancer Syndrome; Hereditary neoplastic syndrome; Neoplastic Syndromes, Hereditary; Tumor predisposition. Identifiers: Orphanet 140162, MedGen C0027672, MeSH D009386, MONDO:0015356.

Submissions (2):

GeneDx
Classification: Uncertain significance. Last evaluated: 2025-07-08. Review status: criteria provided, single submitter. Criteria: GeneDx Variant Classification Process June 2021. Collection method: clinical testing. Allele origin: germline. Affected: yes.
Comment: Not observed at significant frequency in large population cohorts (gnomAD); In silico analysis supports that this missense variant has a deleterious effect on protein structure/function; Has not been previously published as pathogenic or benign to our knowledge

Ambry Genetics
Classification: Uncertain significance for Hereditary cancer-predisposing syndrome. Last evaluated: 2022-09-02. Review status: criteria provided, single submitter. Criteria: Ambry Variant Classification Scheme 2023. Collection method: clinical testing. Allele origin: germline.
Comment: The p.S489I variant (also known as c.1466G>T), located in coding exon 10 of the BMPR1A gene, results from a G to T substitution at nucleotide position 1466. The serine at codon 489 is replaced by isoleucine, an amino acid with dissimilar properties. This amino acid position is highly conserved in available vertebrate species. In addition, the in silico prediction for this alteration is inconclusive. Since supporting evidence is limited at this time, the clinical significance of this alteration remains unclear.

NM_004329.3(BMPR1A):c.1466G>T (p.Ser489Ile)

Gene: BMPR1A (bone morphogenetic protein receptor type 1A; plus strand). Cytogenetic location: 10q23.2.
Variant type: single nucleotide variant.
Coding change: c.1466G>T on transcript NM_004329.3 (MANE Select); coding-DNA position 1466, G replaced by T.
Protein change: p.Ser489Ile; replaces serine 489 with isoleucine.
Molecular consequence: missense variant.
Genome position (GRCh38, 1-based): chr10:86,923,499, G>T. VCF-style: chr10-86923499-G-T. GRCh37 (hg19) VCF-style: chr10-88683256-G-T.
Other names: c.1541G>T, p.Ser514Ile (NM_001406559.1); c.1514G>T, p.Ser505Ile (NM_001406560.1); c.1466G>T, p.Ser489Ile (NM_001406561.1, NM_001406562.1, NM_001406563.1 and 19 more transcripts); c.1460G>T, p.Ser487Ile (NM_001406583.1); c.1382G>T, p.Ser461Ile (NM_001406584.1, NM_001406585.1, NM_001406586.1 and 2 more transcripts); c.1124G>T, p.Ser375Ile (NM_001406589.1); short protein forms S375I, S461I, S505I, S489I, S514I, S487I.
Identifiers: ClinVar variation 1773264 (VCV001773264.3), dbSNP rs1554891617, ClinGen allele CA377463236.